The following is an entry in ClinVar:

NM_001034850.3(RETREG1):c.841_852del (p.Ser281_Asp284del)

Gene: RETREG1 (reticulophagy regulator 1; minus strand). Cytogenetic location: 5p15.1.
Variant type: Deletion.
Coding change: c.841_852del on transcript NM_001034850.3 (MANE Select); coding-DNA positions 841 to 852, 12 bases deleted (AGTGAATTAGAC).
Protein change: p.Ser281_Asp284del.
Molecular consequence: inframe deletion.
Genome position (GRCh38, 1-based): chr5:16,478,055-16,478,066, GTCTAATTCACT deleted on the plus strand (AGTGAATTAGAC on the coding strand, the reverse complement: RETREG1 is on the minus strand); deleting any 12 consecutive bases within chr5:16,478,055-16,478,069 gives the same sequence; the c. name uses the placement nearest the transcript's 3' end. VCF-style (leftmost placement, unchanged base first): chr5-16478054-AGTCTAATTCACT-A. GRCh37 (hg19) VCF-style: chr5-16478163-AGTCTAATTCACT-A.
Other names: c.418_429del, p.Ser140_Asp143del (NM_019000.5).
Identifiers: ClinVar variation 1466002 (VCV001466002.5), dbSNP rs760741213, ClinGen allele CA3210320.

ClinVar aggregate classification (germline): Uncertain significance (1 of 4 stars; one submission).

Submission:

Labcorp Genetics (formerly Invitae), Labcorp
Classification: Uncertain significance. Last evaluated: 2021-08-30. Review status: criteria provided, single submitter. Criteria: Invitae Variant Classification Sherloc (09022015). Collection method: clinical testing. Allele origin: germline.
Comment: This variant, c.841_852del, results in the deletion of 4 amino acid(s) of the RETREG1 protein (p.Ser281_Asp284del), but otherwise preserves the integrity of the reading frame. The frequency data for this variant in the population databases is considered unreliable, as metrics indicate poor data quality at this position in the ExAC database. This variant has not been reported in the literature in individuals affected with RETREG1-related conditions. Experimental studies and prediction algorithms are not available or were not evaluated, and the functional significance of this variant is currently unknown. In summary, the available evidence is currently insufficient to determine the role of this variant in disease. Therefore, it has been classified as a Variant of Uncertain Significance.